The following is an entry in ClinVar:

ClinVar aggregate classification (germline): Uncertain significance (1 of 4 stars; one submission).

gnomAD v4.1: 13 of 1,613,668 alleles (0.00081%); highest among the groups gnomAD compares: East Asian, 0.022%; no homozygotes.

Submission:

GeneDx
Classification: Uncertain significance. Last evaluated: 2026-04-04. Review status: criteria provided, single submitter. Criteria: GeneDx Variant Classification Process June 2021. Collection method: clinical testing. Allele origin: germline.
Comment: In silico analysis supports that this missense variant has a deleterious effect on protein structure/function; Has not been previously published as pathogenic or benign to our knowledge

NM_021942.6(TRAPPC11):c.2109G>T (p.Trp703Cys)

Gene: TRAPPC11 (trafficking protein particle complex subunit 11; plus strand). Cytogenetic location: 4q35.1.
Variant type: single nucleotide variant.
Coding change: c.2109G>T on transcript NM_021942.6 (MANE Select); coding-DNA position 2109, G replaced by T.
Protein change: p.Trp703Cys; replaces tryptophan 703 with cysteine.
Molecular consequence: missense variant.
Genome position (GRCh38, 1-based): chr4:183,693,019, G>T. VCF-style: chr4-183693019-G-T. GRCh37 (hg19) VCF-style: chr4-184614172-G-T.
Other names: c.2109G>T, p.Trp703Cys (NM_199053.3); short protein forms W703C.
Identifiers: ClinVar variation 5017765 (VCV005017765.1).